The following is an entry in ClinVar:

ClinVar aggregate classification (germline): Likely benign. Review status: criteria provided, multiple submitters, no conflicts (2 of 4 stars). 5 submissions from 5 submitters: Likely benign (5). Last evaluated 2025-12-29.

Conditions:
Familial colorectal cancer type X. Identifiers: Orphanet 440437, MedGen C3896578, MONDO:0018604.
Familial cancer of breast. Also called: BREAST CANCER, FAMILIAL; hereditary breast carcinoma; Hereditary breast cancer. Identifiers: Orphanet 227535, MedGen C0346153, MONDO:0016419, OMIM 114480. Disease mechanism: loss of function.
Hereditary cancer-predisposing syndrome. Also called: Hereditary Cancer Syndrome; Neoplastic Syndromes, Hereditary; Tumor predisposition; Hereditary neoplastic syndrome. Identifiers: Orphanet 140162, MedGen C0027672, MeSH D009386, MONDO:0015356.
Ataxia-telangiectasia syndrome (AT). Also called: Ataxia-telangiectasia, complementation group D; AT, COMPLEMENTATION GROUP C; Ataxia-telangiectasia; ATAXIA-TELANGIECTASIA, COMPLEMENTATION GROUP A; ATAXIA-TELANGIECTASIA, FRESNO VARIANT; LOUIS-BAR SYNDROME. Identifiers: Orphanet 100, MedGen C0004135, MONDO:0008840, OMIM 208900.

Allele frequency attached by ClinVar (database versions not stated): gnomAD exomes below 0.00001; TOPMed below 0.00001.
gnomAD v4.1: 5 of 1,599,726 alleles (0.00031%); highest among the groups gnomAD compares: Non-Finnish European, 0.00043%; no homozygotes.

Submissions (5):

Center for Genomic Medicine, Rigshospitalet, Copenhagen University Hospital
Classification: Likely benign. Last evaluated: 2025-12-29. Review status: criteria provided, single submitter. Criteria: ACMG Guidelines, 2015. Collection method: clinical testing. Allele origin: germline.

Myriad Genetics, Inc.
Classification: Likely benign for Familial cancer of breast. Last evaluated: 2024-05-24. Review status: criteria provided, single submitter. Criteria: Myriad Autosomal Dominant, Autosomal Recessive and X-Linked Classification Criteria (2023). Collection method: clinical testing. Allele origin: unknown.
Comment: This variant is considered likely benign. This variant is intronic and is not expected to impact mRNA splicing.

Labcorp Genetics (formerly Invitae), Labcorp
Classification: Likely benign for Ataxia-telangiectasia syndrome. Last evaluated: 2024-03-01. Review status: criteria provided, single submitter. Criteria: Invitae Variant Classification Sherloc (09022015). Collection method: clinical testing. Allele origin: germline.

Department of Pathology and Laboratory Medicine, Sinai Health System
Classification: Likely benign for Familial colorectal cancer type X. Last evaluated: 2023-09-20. Review status: criteria provided, single submitter. Criteria: ACMG Guidelines, 2015. Collection method: clinical testing. Allele origin: germline. Affected: yes.

Color Diagnostics, LLC DBA Color Health
Classification: Likely benign for Hereditary cancer-predisposing syndrome. Last evaluated: 2018-02-16. Review status: criteria provided, single submitter. Criteria: ACMG Guidelines, 2015. Collection method: clinical testing. Allele origin: germline.

NM_000051.4(ATM):c.5675-15A>G

Gene: ATM (ATM serine/threonine kinase; plus strand). Cytogenetic location: 11q22.3.
Variant type: single nucleotide variant.
Coding change: c.5675-15A>G on transcript NM_000051.4 (MANE Select); 15 bases into the intron before coding-DNA position 5675, A replaced by G.
Molecular consequence: intron variant.
Genome position (GRCh38, 1-based): chr11:108,307,882, A>G. VCF-style: chr11-108307882-A-G. GRCh37 (hg19) VCF-style: chr11-108178609-A-G.
Other names: c.5675-15A>G (NM_001351834.2).
Identifiers: ClinVar variation 631371 (VCV000631371.13), dbSNP rs1565485867, ClinGen allele CA913188472.